The following is an entry in ClinVar:

ClinVar aggregate classification (germline): Pathogenic (1 of 4 stars; one submission).

Submission:

Labcorp Genetics (formerly Invitae), Labcorp
Classification: Pathogenic. Last evaluated: 2023-03-09. Review status: criteria provided, single submitter. Criteria: Invitae Variant Classification Sherloc (09022015). Collection method: clinical testing. Allele origin: germline.
Comment: This variant is not present in population databases (gnomAD no frequency). This sequence change creates a premature translational stop signal (p.Asn117Thrfs*2) in the NR2F1 gene. It is expected to result in an absent or disrupted protein product. Loss-of-function variants in NR2F1 are known to be pathogenic (PMID: 14738874, 24462372). For these reasons, this variant has been classified as Pathogenic. This variant has not been reported in the literature in individuals affected with NR2F1-related conditions.

Literature cited by the submitters: PubMed 14738874; PubMed 24462372.

NM_005654.6(NR2F1):c.348del (p.Asn117fs)

Genes: NR2F1 (nuclear receptor subfamily 2 group F member 1; plus strand), NR2F1-AS1 (NR2F1 regulatory antisense RNA 1; minus strand). Cytogenetic location: 5q15.
Variant type: Deletion.
Coding change: c.348del on transcript NM_005654.6 (MANE Select); coding-DNA position 348, one base deleted (G; older notation c.348delG).
Protein change: p.Asn117fs; shifts the reading frame from asparagine 117.
Molecular consequence: frameshift variant. On other transcripts: non-coding transcript variant (4).
Genome position (GRCh38, 1-based): chr5:93,585,371, G deleted; the last of 2 consecutive G bases (chr5:93,585,370-93,585,371); deleting either gives the same sequence. VCF-style (leftmost placement, unchanged base first): chr5-93585369-AG-A. GRCh37 (hg19) VCF-style: chr5-92921075-AG-A.
Other names: short protein forms N117fs.
Identifiers: ClinVar variation 2844506 (VCV002844506.3), dbSNP rs2480802272, ClinGen allele CA2739274854.